The following is an entry in ClinVar:

ClinVar aggregate classification (germline): Uncertain significance. Review status: criteria provided, multiple submitters, no conflicts (2 of 4 stars). 2 submissions from 2 submitters: Uncertain significance (2). Last evaluated 2025-07-16.

gnomAD v4.1: 82 of 1,593,924 alleles (0.0051%); highest among the groups gnomAD compares: African/African-American, 0.0094%; no homozygotes.

Submissions (2):

Ambry Genetics
Classification: Uncertain significance. Last evaluated: 2025-07-16. Review status: criteria provided, single submitter. Criteria: Ambry Variant Classification Scheme 2023. Collection method: clinical testing. Allele origin: germline.

Labcorp Genetics (formerly Invitae), Labcorp
Classification: Uncertain significance. Last evaluated: 2024-03-09. Review status: criteria provided, single submitter. Criteria: Invitae Variant Classification Sherloc (09022015). Collection method: clinical testing. Allele origin: germline.
Comment: This sequence change replaces serine, which is neutral and polar, with leucine, which is neutral and non-polar, at codon 1767 of the MYH7B protein (p.Ser1767Leu). This variant is present in population databases (rs781351049, gnomAD 0.01%). This variant has not been reported in the literature in individuals affected with MYH7B-related conditions. Advanced modeling of protein sequence and biophysical properties (such as structural, functional, and spatial information, amino acid conservation, physicochemical variation, residue mobility, and thermodynamic stability) performed at Invitae indicates that this missense variant is not expected to disrupt MYH7B protein function with a negative predictive value of 80%. In summary, the available evidence is currently insufficient to determine the role of this variant in disease. Therefore, it has been classified as a Variant of Uncertain Significance.

NM_020884.7(MYH7B):c.5174C>T (p.Ser1725Leu)

Gene: MYH7B (myosin heavy chain 7B; plus strand). Cytogenetic location: 20q11.22.
Variant type: single nucleotide variant.
Coding change: c.5174C>T on transcript NM_020884.7 (MANE Select); coding-DNA position 5174, C replaced by T.
Protein change: p.Ser1725Leu; replaces serine 1725 with leucine.
Molecular consequence: missense variant.
Genome position (GRCh38, 1-based): chr20:35,000,685, C>T. VCF-style: chr20-35000685-C-T. GRCh37 (hg19) VCF-style: chr20-33588488-C-T.
Other names: c.5300C>T (NM_020884.3); short protein forms S1725L.
Identifiers: ClinVar variation 3709976 (VCV003709976.3).